The following is an entry in ClinVar:

NM_014049.5(ACAD9):c.1120G>T (p.Asp374Tyr)

Gene: ACAD9 (acyl-CoA dehydrogenase family member 9; plus strand). Cytogenetic location: 3q21.3.
Variant type: single nucleotide variant.
Coding change: c.1120G>T on transcript NM_014049.5 (MANE Select); coding-DNA position 1120, G replaced by T.
Protein change: p.Asp374Tyr; replaces aspartic acid 374 with tyrosine.
Molecular consequence: missense variant. On other transcripts: non-coding transcript variant (1).
Genome position (GRCh38, 1-based): chr3:128,904,476, G>T. VCF-style: chr3-128904476-G-T. GRCh37 (hg19) VCF-style: chr3-128623319-G-T.
Other names: c.751G>T, p.Asp251Tyr (NM_001410805.1); short protein forms D374Y, D251Y.
Identifiers: ClinVar variation 2102270 (VCV002102270.4), dbSNP rs751398822, ClinGen allele CA2601399.

ClinVar aggregate classification (germline): Uncertain significance (1 of 4 stars; one submission).

Submission:

Labcorp Genetics (formerly Invitae), Labcorp
Classification: Uncertain significance. Last evaluated: 2024-10-27. Review status: criteria provided, single submitter. Criteria: Invitae Variant Classification Sherloc (09022015). Collection method: clinical testing. Allele origin: germline.
Comment: This sequence change replaces aspartic acid, which is acidic and polar, with tyrosine, which is neutral and polar, at codon 374 of the ACAD9 protein (p.Asp374Tyr). This variant is present in population databases (rs751398822, gnomAD 0.0009%). This variant has not been reported in the literature in individuals affected with ACAD9-related conditions. ClinVar contains an entry for this variant (Variation ID: 2102270). Invitae Evidence Modeling of protein sequence and biophysical properties (such as structural, functional, and spatial information, amino acid conservation, physicochemical variation, residue mobility, and thermodynamic stability) indicates that this missense variant is expected to disrupt ACAD9 protein function with a positive predictive value of 80%. In summary, the available evidence is currently insufficient to determine the role of this variant in disease. Therefore, it has been classified as a Variant of Uncertain Significance.